The following is an entry in ClinVar:

NM_000092.5(COL4A4):c.4660C>T (p.Leu1554Phe)

Gene: COL4A4 (collagen type IV alpha 4 chain; minus strand). Cytogenetic location: 2q36.3.
Variant type: single nucleotide variant.
Coding change: c.4660C>T on transcript NM_000092.5 (MANE Select); coding-DNA position 4660, C replaced by T.
Protein change: p.Leu1554Phe; replaces leucine 1554 with phenylalanine.
Molecular consequence: missense variant.
Genome position (GRCh38, 1-based): chr2:227,008,167, G>A on the plus strand (C>T on the coding strand, the complement: COL4A4 is on the minus strand). VCF-style: chr2-227008167-G-A. GRCh37 (hg19) VCF-style: chr2-227872883-G-A.
Other names: short protein forms L1554F.
Identifiers: ClinVar variation 1029645 (VCV001029645.2), dbSNP rs1962599188, ClinGen allele CA351140744.
Genomic context (GRCh38, chr2:227,008,167, plus strand): 5'-GGGCCGGGGCCTCGCATACCGCACAGCGGCTGACATAGGGGCGGATCGCCTCTTCAGAGA[G>A]TGGCATCATGGGGAGGGGCGCAGCGCTGGCCAGCCAGTAGGATCTGTCGTTTCTCTGGGC-3'
Protein context (NP_000083.3, residues 1544-1564): ASAAPLPMMP[Leu1554Phe]SEEAIRPYVS

ClinVar aggregate classification (germline): Uncertain significance. Review status: criteria provided, multiple submitters, no conflicts (2 of 4 stars). 2 submissions from 2 submitters: Uncertain significance (2). Last evaluated 2022-05-12.

Conditions:
Autosomal dominant Alport syndrome (ATS3A). Also called: ALPORT SYNDROME 3A, AUTOSOMAL DOMINANT; Alport syndrome dominant type; Renal failure and sensorineural hearing loss. Identifiers: Orphanet 63, Orphanet 88918, MedGen C5882663, MONDO:0007086, OMIM 104200.
Autosomal recessive Alport syndrome (ATS2). Also called: COL4A4 Alport Syndrome and Thin Basement Membrane Nephropathy; ALPORT SYNDROME 2, AUTOSOMAL RECESSIVE; Alport syndrome type 2; COL4A3-Related Nephropathy. Identifiers: Orphanet 63, Orphanet 88919, MedGen C4746745, MONDO:0008762, OMIM 203780.
Benign familial hematuria. Also called: thin basement membrane disease. Identifiers: MedGen C0241908, MONDO:0957317.

Submissions (2):

Fulgent Genetics
Classification: Uncertain significance for Hematuria, benign familial, 1; Autosomal recessive Alport syndrome. Last evaluated: 2022-05-12. Review status: criteria provided, single submitter. Criteria: ACMG Guidelines, 2015. Collection method: clinical testing. Allele origin: unknown.

Baylor Genetics
Classification: Uncertain significance for Autosomal dominant Alport syndrome. Last evaluated: 2019-11-21. Review status: criteria provided, single submitter. Criteria: ACMG Guidelines, 2015. Collection method: clinical testing. Allele origin: de novo. Affected: yes.
Comment: This variant was determined to be of uncertain significance according to ACMG Guidelines, 2015 [PMID:25741868].